The following is an entry in ClinVar:

ClinVar aggregate classification (germline): Uncertain significance (1 of 4 stars; one submission).

Allele frequency attached by ClinVar (database versions not stated): gnomAD exomes 0.00001; ExAC 0.00002; TOPMed 0.00002.
gnomAD v4.1: 14 of 1,612,062 alleles (0.00087%); highest among the groups gnomAD compares: East Asian, 0.0045%; no homozygotes.

Submission:

Labcorp Genetics (formerly Invitae), Labcorp
Classification: Uncertain significance. Last evaluated: 2022-06-28. Review status: criteria provided, single submitter. Criteria: Invitae Variant Classification Sherloc (09022015). Collection method: clinical testing. Allele origin: germline.
Comment: In summary, the available evidence is currently insufficient to determine the role of this variant in disease. Therefore, it has been classified as a Variant of Uncertain Significance. Variants that disrupt the consensus splice site are a relatively common cause of aberrant splicing (PMID: 17576681, 9536098). Algorithms developed to predict the effect of sequence changes on RNA splicing suggest that this variant may disrupt the consensus splice site. This variant has not been reported in the literature in individuals affected with NUP205-related conditions. This variant is present in population databases (rs746027437, gnomAD 0.01%). This sequence change falls in intron 39 of the NUP205 gene. It does not directly change the encoded amino acid sequence of the NUP205 protein. It affects a nucleotide within the consensus splice site.

Literature cited by the submitters: PubMed 17576681; PubMed 9536098.

NM_015135.3(NUP205):c.5559+5G>A

Gene: NUP205 (nucleoporin 205; plus strand). Cytogenetic location: 7q33.
Variant type: single nucleotide variant.
Coding change: c.5559+5G>A on transcript NM_015135.3 (MANE Select); 5 bases into the intron after coding-DNA position 5559, G replaced by A.
Molecular consequence: intron variant.
Genome position (GRCh38, 1-based): chr7:135,643,363, G>A. VCF-style: chr7-135643363-G-A. GRCh37 (hg19) VCF-style: chr7-135328111-G-A.
Other names: c.4485+5G>A (NM_001329434.2).
Identifiers: ClinVar variation 2169208 (VCV002169208.4), dbSNP rs746027437, ClinGen allele CA4499205.